The following is an entry in ClinVar:

NM_001012339.3(DNAJC21):c.673G>A (p.Glu225Lys)

Gene: DNAJC21 (DnaJ heat shock protein family (Hsp40) member C21; plus strand). Cytogenetic location: 5p13.2.
Variant type: single nucleotide variant.
Coding change: c.673G>A on transcript NM_001012339.3 (MANE Select); coding-DNA position 673, G replaced by A.
Protein change: p.Glu225Lys; replaces glutamic acid 225 with lysine.
Molecular consequence: missense variant.
Genome position (GRCh38, 1-based): chr5:34,937,560, G>A. VCF-style: chr5-34937560-G-A. GRCh37 (hg19) VCF-style: chr5-34937665-G-A.
Other names: c.673G>A, p.Glu225Lys (NM_001348420.2, NM_194283.4); c.673G>A (NM_001012339.2); short protein forms E225K.
Identifiers: ClinVar variation 1991405 (VCV001991405.3), dbSNP rs556917839, ClinGen allele CA3228520.

ClinVar aggregate classification (germline): Uncertain significance. Review status: criteria provided, multiple submitters, no conflicts (2 of 4 stars). 3 submissions from 3 submitters: Uncertain significance (3). Last evaluated 2024-08-21.

Allele frequency attached by ClinVar (database versions not stated): TOPMed 0.00001; gnomAD 0.00002.
gnomAD v4.1: 28 of 1,613,982 alleles (0.0017%); highest among the groups gnomAD compares: Middle Eastern, 0.017%; no homozygotes.

Submissions (3):

Blueprint Genetics
Classification: Uncertain significance. Last evaluated: 2024-08-21. Review status: criteria provided, single submitter. Criteria: ACMG Guidelines, 2015. Collection method: clinical testing. Allele origin: germline.

GeneDx
Classification: Uncertain significance. Last evaluated: 2023-11-27. Review status: criteria provided, single submitter. Criteria: GeneDx Variant Classification Process June 2021. Collection method: clinical testing. Allele origin: germline. Affected: yes.
Comment: In silico analysis supports that this missense variant does not alter protein structure/function; Has not been previously published as pathogenic or benign to our knowledge

Labcorp Genetics (formerly Invitae), Labcorp
Classification: Uncertain significance. Last evaluated: 2022-06-22. Review status: criteria provided, single submitter. Criteria: Invitae Variant Classification Sherloc (09022015). Collection method: clinical testing. Allele origin: germline.
Comment: This sequence change replaces glutamic acid, which is acidic and polar, with lysine, which is basic and polar, at codon 225 of the DNAJC21 protein (p.Glu225Lys). This variant is present in population databases (rs556917839, gnomAD 0.006%). This variant has not been reported in the literature in individuals affected with DNAJC21-related conditions. Algorithms developed to predict the effect of missense changes on protein structure and function are either unavailable or do not agree on the potential impact of this missense change (SIFT: "Deleterious"; PolyPhen-2: "Probably Damaging"; Align-GVGD: "Class C0"). In summary, the available evidence is currently insufficient to determine the role of this variant in disease. Therefore, it has been classified as a Variant of Uncertain Significance.